The following is an entry in ClinVar:

ClinVar aggregate classification (germline): Uncertain significance (1 of 4 stars; one submission).

gnomAD v4.1: 1 of 1,614,178 alleles (0.000062%); highest among the groups gnomAD compares: Non-Finnish European, 0.000085%; no homozygotes.

Submission:

Labcorp Genetics (formerly Invitae), Labcorp
Classification: Uncertain significance. Last evaluated: 2022-03-04. Review status: criteria provided, single submitter. Criteria: Invitae Variant Classification Sherloc (09022015). Collection method: clinical testing. Allele origin: germline.
Comment: This sequence change replaces alanine, which is neutral and non-polar, with serine, which is neutral and polar, at codon 319 of the RUSC2 protein (p.Ala319Ser). This variant is not present in population databases (gnomAD no frequency). This variant has not been reported in the literature in individuals affected with RUSC2-related conditions. Algorithms developed to predict the effect of missense changes on protein structure and function are either unavailable or do not agree on the potential impact of this missense change (SIFT: "Deleterious"; PolyPhen-2: "Benign"; Align-GVGD: "Class C0"). In summary, the available evidence is currently insufficient to determine the role of this variant in disease. Therefore, it has been classified as a Variant of Uncertain Significance.

NM_014806.5(RUSC2):c.955G>T (p.Ala319Ser)

Gene: RUSC2 (RUN and SH3 domain containing 2; plus strand). Cytogenetic location: 9p13.3.
Variant type: single nucleotide variant.
Coding change: c.955G>T on transcript NM_014806.5 (MANE Select); coding-DNA position 955, G replaced by T.
Protein change: p.Ala319Ser; replaces alanine 319 with serine.
Molecular consequence: missense variant. On other transcripts: non-coding transcript variant (1), intron variant (1).
Genome position (GRCh38, 1-based): chr9:35,547,476, G>T. VCF-style: chr9-35547476-G-T. GRCh37 (hg19) VCF-style: chr9-35547473-G-T.
Other names: c.955G>T, p.Ala319Ser (NM_001135999.2); c.-620-7584G>T (NM_001330740.2); short protein forms A319S.
Identifiers: ClinVar variation 2105753 (VCV002105753.3), dbSNP rs758569757, ClinGen allele CA373329890.